The following is an entry in ClinVar:

NM_000163.5(GHR):c.1690G>A (p.Asp564Asn)

Gene: GHR (growth hormone receptor; plus strand). Cytogenetic location: 5p12.
Variant type: single nucleotide variant.
Coding change: c.1690G>A on transcript NM_000163.5 (MANE Select); coding-DNA position 1690, G replaced by A.
Protein change: p.Asp564Asn; replaces aspartic acid 564 with asparagine.
Molecular consequence: missense variant. On other transcripts: 3 prime UTR variant (1).
Genome position (GRCh38, 1-based): chr5:42,719,197, G>A. VCF-style: chr5-42719197-G-A. GRCh37 (hg19) VCF-style: chr5-42719299-G-A.
Other names: c.1711G>A, p.Asp571Asn (NM_001242399.2); c.1690G>A, p.Asp564Asn (NM_001242400.2, NM_001242401.4, NM_001242402.2 and 4 more transcripts); c.1624G>A, p.Asp542Asn (NM_001242460.2); c.*732G>A (NM_001242462.1); short protein forms D542N, D571N, D564N.
Identifiers: ClinVar variation 2778903 (VCV002778903.3), dbSNP rs898074355, ClinGen allele CA117805499.
Genomic context (GRCh38, chr5:42,719,197, plus strand): 5'-ATCCCTGTGGCTCCTCACATCAAGGTTGAATCACACATACAGCCAAGCTTAAACCAAGAG[G>A]ACATTTACATCACCACAGAAAGCCTTACCACTGCTGCTGGGAGGCCTGGGACAGGAGAAC-3'
Protein context (NP_000154.1, residues 554-574): SHIQPSLNQE[Asp564Asn]IYITTESLTT

ClinVar aggregate classification (germline): Uncertain significance (1 of 4 stars; one submission).

Allele frequency attached by ClinVar (database versions not stated): gnomAD exomes below 0.00001; TOPMed below 0.00001.
gnomAD v4.1: 1 of 1,614,078 alleles (0.000062%); highest among the groups gnomAD compares: Non-Finnish European, 0.000085%; no homozygotes.

Submission:

Labcorp Genetics (formerly Invitae), Labcorp
Classification: Uncertain significance. Last evaluated: 2023-01-22. Review status: criteria provided, single submitter. Criteria: Invitae Variant Classification Sherloc (09022015). Collection method: clinical testing. Allele origin: germline.
Comment: In summary, the available evidence is currently insufficient to determine the role of this variant in disease. Therefore, it has been classified as a Variant of Uncertain Significance. Advanced modeling of protein sequence and biophysical properties (such as structural, functional, and spatial information, amino acid conservation, physicochemical variation, residue mobility, and thermodynamic stability) performed at Invitae indicates that this missense variant is not expected to disrupt GHR protein function. This variant has not been reported in the literature in individuals affected with GHR-related conditions. This variant is not present in population databases (gnomAD no frequency). This sequence change replaces aspartic acid, which is acidic and polar, with asparagine, which is neutral and polar, at codon 564 of the GHR protein (p.Asp564Asn).